The following is an entry in ClinVar:

NM_003265.3(TLR3):c.597A>T (p.Leu199Phe)

Gene: TLR3 (toll like receptor 3; plus strand). Cytogenetic location: 4q35.1.
Variant type: single nucleotide variant.
Coding change: c.597A>T on transcript NM_003265.3 (MANE Select); coding-DNA position 597, A replaced by T.
Protein change: p.Leu199Phe; replaces leucine 199 with phenylalanine.
Molecular consequence: missense variant.
Genome position (GRCh38, 1-based): chr4:186,078,995, A>T. VCF-style: chr4-186078995-A-T. GRCh37 (hg19) VCF-style: chr4-187000149-A-T.
Other names: TLR3, LEU199PHE (rs753482575); L199F.
Identifiers: ClinVar variation 1177575 (VCV001177575.41), dbSNP rs753482575, ClinGen allele CA3161250.

ClinVar aggregate classification (germline): Uncertain significance. Review status: criteria provided, multiple submitters, no conflicts (2 of 4 stars). 3 submissions from 3 submitters: Uncertain significance (2). 1 of the submissions does not count toward it. Last evaluated 2022-06-24.

Conditions:
Encephalopathy, acute, infection-induced (herpes-specific), susceptibility to, 1. Also called: Herpes simplex encephalitis, susceptibility to, 1. Identifiers: Orphanet 1930, MedGen C2750180, MONDO:0024563, OMIM 610551.
Immunodeficiency 83, susceptibility to viral infections. Identifiers: Orphanet 1930, MedGen C2751803, MONDO:0800187, OMIM 613002.

Allele frequency attached by ClinVar (database versions not stated): TOPMed 0.00002; gnomAD exomes 0.00001; gnomAD 0.00003 and 0.00002; ExAC 0.00001.

Submissions (3):

Labcorp Genetics (formerly Invitae), Labcorp
Classification: Uncertain significance for Encephalopathy, acute, infection-induced (herpes-specific), susceptibility to, 1. Last evaluated: 2022-06-24. Review status: criteria provided, single submitter. Criteria: Invitae Variant Classification Sherloc (09022015). Collection method: clinical testing. Allele origin: germline.
Comment: This sequence change replaces leucine, which is neutral and non-polar, with phenylalanine, which is neutral and non-polar, at codon 199 of the TLR3 protein (p.Leu199Phe). This variant is present in population databases (rs753482575, gnomAD 0.01%). In summary, the available evidence is currently insufficient to determine the role of this variant in disease. Therefore, it has been classified as a Variant of Uncertain Significance. This variant has not been reported in the literature in individuals affected with TLR3-related conditions. ClinVar contains an entry for this variant (Variation ID: 1177575). Algorithms developed to predict the effect of missense changes on protein structure and function are either unavailable or do not agree on the potential impact of this missense change (SIFT: "Tolerated"; PolyPhen-2: "Possibly Damaging"; Align-GVGD: "Class C0").

CeGaT Center for Human Genetics Tuebingen
Classification: Uncertain significance. Last evaluated: 2021-11-01. Review status: criteria provided, single submitter. Criteria: CeGaT Center For Human Genetics Tuebingen Variant Classification Criteria Version 2. Collection method: clinical testing. Allele origin: germline. Affected: yes. Observed: 1 variant allele.

OMIM
Classification: risk factor for IMMUNODEFICIENCY 83, SUSCEPTIBILITY TO VIRAL INFECTIONS. Last evaluated: 2021-07-12. Review status: no assertion criteria provided. Collection method: literature only. Allele origin: germline. Not counted in ClinVar's aggregate classification.

Literature cited by the submitters: PubMed 28368532 (cited by OMIM).